The following is an entry in ClinVar:

ClinVar aggregate classification (germline): Uncertain significance (1 of 4 stars; one submission).

Conditions:
Desmin-related myofibrillar myopathy (MFM1). Also called: Desminopathy; MYOFIBRILLAR MYOPATHY WITH ARRHYTHMOGENIC RIGHT VENTRICULAR CARDIOMYOPATHY; DESMIN-RELATED MYOPATHY WITH ARRHYTHMOGENIC RIGHT VENTRICULAR CARDIOMYOPATHY; Myofibrillar myopathy 1; Desmin related myopathy (former name); Desmin storage myopathy (former name). Identifiers: Orphanet 363543, Orphanet 98909, MedGen C1832370, MONDO:0011076, OMIM 601419.

Submission:

Labcorp Genetics (formerly Invitae), Labcorp
Classification: Uncertain significance for Desmin-related myofibrillar myopathy. Last evaluated: 2022-05-21. Review status: criteria provided, single submitter. Criteria: Invitae Variant Classification Sherloc (09022015). Collection method: clinical testing. Allele origin: germline.
Comment: In summary, the available evidence is currently insufficient to determine the role of this variant in disease. Therefore, it has been classified as a Variant of Uncertain Significance. Algorithms developed to predict the effect of missense changes on protein structure and function are either unavailable or do not agree on the potential impact of this missense change (SIFT: "Deleterious"; PolyPhen-2: "Probably Damaging"; Align-GVGD: "Class C0"). This variant has not been reported in the literature in individuals affected with DES-related conditions. This variant is not present in population databases (gnomAD no frequency). This sequence change replaces aspartic acid, which is acidic and polar, with asparagine, which is neutral and polar, at codon 264 of the DES protein (p.Asp264Asn).

NM_001927.4(DES):c.790G>A (p.Asp264Asn)

Gene: DES (desmin; plus strand). Cytogenetic location: 2q35.
Variant type: single nucleotide variant.
Coding change: c.790G>A on transcript NM_001927.4 (MANE Select); coding-DNA position 790, G replaced by A.
Protein change: p.Asp264Asn; replaces aspartic acid 264 with asparagine.
Molecular consequence: missense variant. On other transcripts: intron variant (1).
Genome position (GRCh38, 1-based): chr2:219,420,549, G>A. VCF-style: chr2-219420549-G-A. GRCh37 (hg19) VCF-style: chr2-220285271-G-A.
Other names: c.787G>A, p.Asp263Asn (NM_001382708.1); c.790G>A, p.Asp264Asn (NM_001382710.1, NM_001382711.1, NM_001382712.1); c.520G>A, p.Asp174Asn (NM_001382713.1); c.735+203G>A (NM_001382709.1); short protein forms D174N, D263N, D264N.
Identifiers: ClinVar variation 1997510 (VCV001997510.4), dbSNP rs2545252141, ClinGen allele CA350691089.